The following is an entry in ClinVar:

ClinVar aggregate classification (germline): Conflicting classifications of pathogenicity. Review status: criteria provided, conflicting classifications (1 of 4 stars). 3 submissions from 3 submitters: Uncertain significance (2); Likely benign (1). Last evaluated 2025-11-19.

Allele frequency attached by ClinVar (database versions not stated): gnomAD 0.00017; ExAC 0.00018; gnomAD exomes 0.00021; TOPMed 0.00022; ESP Exome Variant Server 0.00023; 1000 Genomes Project 30x 0.00031; 1000 Genomes Project 0.00040.
gnomAD v4.1: 342 of 1,614,172 alleles (0.021%); highest among the groups gnomAD compares: Admixed American, 0.12%; no homozygotes.

Submissions (3):

Labcorp Genetics (formerly Invitae), Labcorp
Classification: Uncertain significance. Last evaluated: 2025-11-19. Review status: criteria provided, single submitter. Criteria: Invitae Variant Classification Sherloc (09022015). Collection method: clinical testing. Allele origin: germline.
Comment: This sequence change replaces isoleucine, which is neutral and non-polar, with threonine, which is neutral and polar, at codon 722 of the FAT2 protein (p.Ile722Thr). This variant is present in population databases (rs142276415, gnomAD 0.1%), and has an allele count higher than expected for a pathogenic variant. This variant has not been reported in the literature in individuals affected with FAT2-related conditions. ClinVar contains an entry for this variant (Variation ID: 2084725). Invitae Evidence Modeling of protein sequence and biophysical properties (such as structural, functional, and spatial information, amino acid conservation, physicochemical variation, residue mobility, and thermodynamic stability) indicates that this missense variant is expected to disrupt FAT2 protein function with a positive predictive value of 80%. In summary, the available evidence is currently insufficient to determine the role of this variant in disease. Therefore, it has been classified as a Variant of Uncertain Significance.

Ambry Genetics
Classification: Uncertain significance. Last evaluated: 2024-11-25. Review status: criteria provided, single submitter. Criteria: Ambry Variant Classification Scheme 2023. Collection method: clinical testing. Allele origin: germline.

CeGaT Center for Human Genetics Tuebingen
Classification: Likely benign. Last evaluated: 2022-11-01. Review status: criteria provided, single submitter. Criteria: CeGaT Center For Human Genetics Tuebingen Variant Classification Criteria Version 2. Collection method: clinical testing. Allele origin: germline. Affected: yes. Observed: 1 variant allele.
Comment: FAT2: BP4, BS2

NM_001447.3(FAT2):c.2165T>C (p.Ile722Thr)

Gene: FAT2 (FAT atypical cadherin 2; minus strand). Cytogenetic location: 5q33.1.
Variant type: single nucleotide variant.
Coding change: c.2165T>C on transcript NM_001447.3 (MANE Select); coding-DNA position 2165, T replaced by C.
Protein change: p.Ile722Thr; replaces isoleucine 722 with threonine.
Molecular consequence: missense variant.
Genome position (GRCh38, 1-based): chr5:151,566,767, A>G on the plus strand (T>C on the coding strand, the complement: FAT2 is on the minus strand). VCF-style: chr5-151566767-A-G. GRCh37 (hg19) VCF-style: chr5-150946328-A-G.
Other names: short protein forms I722T.
Identifiers: ClinVar variation 2084725 (VCV002084725.30), dbSNP rs142276415, ClinGen allele CA3522127.
Genomic context (GRCh38, chr5:151,566,767, plus strand): 5'-GGGTCAGTGGCTGCTAGGCGGGCCAAGGGGGTGTTGATAGGGACACTCTCAAGGACATCA[A>G]TGGATTGGGGGAAGTGGTCCTCAAACTGTGGGGTGTAATGATTAATCTGATATGTGCTTA-3'
Protein context (NP_001438.1, residues 712-732): PQFEDHFPQS[Ile722Thr]DVLESVPINT